The following is an entry in ClinVar:

ClinVar aggregate classification (germline): Pathogenic (1 of 4 stars; one submission).

Submission:

Institute of Human Genetics, FAU Erlangen, Friedrich-Alexander-Universität Erlangen-Nürnberg
Classification: Pathogenic. Last evaluated: 2023-07-27. Review status: criteria provided, single submitter. Criteria: Hauer et al. (Genet Med. 2018). Collection method: clinical testing. Allele origin: germline. Inheritance: Unknown mechanism. Affected: yes. Observed: 1 variant allele.
Comment: This variant has been identified by standard clinical testing. Pediatric cystic nephroma Selected ACMG criteria: Pathogenic (I):PP4;PM2;PVS1

NM_177438.3(DICER1):c.3150del (p.Ala1051fs)

Gene: DICER1 (dicer 1, ribonuclease III; minus strand). Cytogenetic location: 14q32.13.
Variant type: Deletion.
Coding change: c.3150del on transcript NM_177438.3 (MANE Select); coding-DNA position 3150, one base deleted (A; older notation c.3150delA).
Protein change: p.Ala1051fs; shifts the reading frame from alanine 1051.
Molecular consequence: frameshift variant. On other transcripts: non-coding transcript variant (6).
Genome position (GRCh38, 1-based): chr14:95,105,190, T deleted on the plus strand (A on the coding strand, the reverse complement: DICER1 is on the minus strand); the first of 4 consecutive T bases (chr14:95,105,190-95,105,193); deleting any one gives the same sequence. VCF-style (leftmost placement, unchanged base first): chr14-95105189-CT-C. GRCh37 (hg19) VCF-style: chr14-95571526-CT-C.
Other names: c.3150del, p.Ala1051fs (NM_001195573.1, NM_001271282.3, NM_001291628.2 and 12 more transcripts); c.3147delA, p.Ala1051Leufs (NM_001395681.1); c.2868del, p.Ala957fs (NM_001395686.1); c.2745del, p.Ala916fs (NM_001395687.1, NM_001395688.1, NM_001395689.1 and 2 more transcripts); c.2583del, p.Ala862fs (NM_001395691.1); c.1467del, p.Ala490fs (NM_001395697.1); short protein forms A1051fs, A490fs, A862fs, A916fs, A957fs.
Identifiers: ClinVar variation 2573990 (VCV002573990.1), dbSNP rs2542755667, ClinGen allele CA2580613751.